The following is an entry in ClinVar:

NM_170606.3(KMT2C):c.5716C>T (p.Arg1906Ter)

Gene: KMT2C (lysine methyltransferase 2C; minus strand). Cytogenetic location: 7q36.1.
Variant type: single nucleotide variant.
Coding change: c.5716C>T on transcript NM_170606.3 (MANE Select); coding-DNA position 5716, C replaced by T.
Protein change: p.Arg1906Ter; replaces arginine 1906 with a stop codon.
Molecular consequence: nonsense.
Genome position (GRCh38, 1-based): chr7:152,182,144, G>A on the plus strand (C>T on the coding strand, the complement: KMT2C is on the minus strand). VCF-style: chr7-152182144-G-A. GRCh37 (hg19) VCF-style: chr7-151879229-G-A.
Other names: short protein forms R1906*.
Identifiers: ClinVar variation 2430044 (VCV002430044.9), dbSNP rs763438739, ClinGen allele CA4580203.

ClinVar aggregate classification (germline): Pathogenic. Review status: criteria provided, multiple submitters, no conflicts (2 of 4 stars). 2 submissions from 2 submitters: Pathogenic (2). Last evaluated 2025-09-01.

Conditions:
Kleefstra syndrome 2 (KLEFS2). Identifiers: MedGen C4540395, MONDO:0054701, OMIM 617768.

Allele frequency attached by ClinVar (database versions not stated): TOPMed below 0.00001; ExAC 0.00001.

Submissions (2):

CeGaT Center for Human Genetics Tuebingen
Classification: Pathogenic. Last evaluated: 2025-09-01. Review status: criteria provided, single submitter. Criteria: CeGaT Center For Human Genetics Tuebingen Variant Classification Criteria Version 2. Collection method: clinical testing. Allele origin: germline. Affected: yes. Observed: 1 variant allele.
Comment: KMT2C: PVS1, PS2, PM2, PS4:Supporting

Department of Genetics, Rouen University Hospital, Normandy Center for Genomic and Personalized Medicine
Classification: Pathogenic for Kleefstra syndrome 2. Last evaluated: 2022-08-05. Review status: criteria provided, single submitter. Criteria: ACMG Guidelines, 2015. Collection method: clinical testing. Allele origin: de novo. Affected: yes.